The following is an entry in ClinVar:

ClinVar aggregate classification (germline): Uncertain significance (1 of 4 stars; one submission).

Submission:

GeneDx
Classification: Uncertain significance. Last evaluated: 2020-10-19. Review status: criteria provided, single submitter. Criteria: GeneDx Variant Classification Process June 2021. Collection method: clinical testing. Allele origin: germline. Affected: yes.
Comment: Has not been previously published as pathogenic or benign to our knowledge; Not observed at a significant frequency in large population cohorts (Lek et al., 2016); In-silico analysis, which includes splice predictors and evolutionary conservation, is inconclusive as to whether the variant alters gene splicing. In the absence of RNA/functional studies, the actual effect of this sequence change is unknown.

NM_014915.3(ANKRD26):c.243-6_243-5del

Gene: ANKRD26 (ankyrin repeat domain containing 26; minus strand). Cytogenetic location: 10p12.1.
Variant type: Microsatellite.
Coding change: c.243-6_243-5del on transcript NM_014915.3 (MANE Select); 6 bases into the intron before coding-DNA position 243 through 5 bases into the intron before coding-DNA position 243, 2 bases deleted (TC; older notation c.243-6_243-5delTC).
Molecular consequence: intron variant.
Genome position (GRCh38, 1-based): chr10:27,093,804-27,093,805, GA deleted on the plus strand (TC on the coding strand, the reverse complement: ANKRD26 is on the minus strand); deleting any 2 consecutive bases within chr10:27,093,804-27,093,808 gives the same sequence; the c. name uses the placement nearest the transcript's 3' end. VCF-style (leftmost placement, unchanged base first): chr10-27093803-TGA-T. GRCh37 (hg19) VCF-style: chr10-27382732-TGA-T.
Other names: c.243-6_243-5del (NM_001256053.2).
Identifiers: ClinVar variation 1313501 (VCV001313501.2), dbSNP rs756496145, ClinGen allele CA5449004.
Genomic context (GRCh38, chr10:27,093,803, plus strand): 5'-ACCAGGAGAGTTACTACTTCTGGATGACCATTGGCACAGGCCAAATGTAGAGCCGTCCTA[TGA>T]GAGTGACAGGACTTTTTATAAACTGTAGTGCACTGTCTCAAAACATACAATGGTTCATAA-3'